The following is an entry in ClinVar:

NM_177438.3(DICER1):c.4119del (p.Phe1374fs)

Gene: DICER1 (dicer 1, ribonuclease III; minus strand). Cytogenetic location: 14q32.13.
Variant type: Deletion.
Coding change: c.4119del on transcript NM_177438.3 (MANE Select); coding-DNA position 4119, one base deleted (A; older notation c.4119delA).
Protein change: p.Phe1374fs; shifts the reading frame from phenylalanine 1374.
Molecular consequence: frameshift variant. On other transcripts: non-coding transcript variant (6).
Genome position (GRCh38, 1-based): chr14:95,099,867, T deleted on the plus strand (A on the coding strand, the reverse complement: DICER1 is on the minus strand). VCF-style (leftmost placement, unchanged base first): chr14-95099866-AT-A. GRCh37 (hg19) VCF-style: chr14-95566203-AT-A.
Other names: c.4119del, p.Phe1374fs (NM_001195573.1, NM_001271282.3, NM_001395683.1 and 12 more transcripts); c.3837del, p.Phe1280fs (NM_001395686.1); c.3714del, p.Phe1239fs (NM_001395687.1, NM_001395688.1, NM_001395689.1 and 2 more transcripts); c.3552del, p.Phe1185fs (NM_001395691.1); c.2436del, p.Phe813fs (NM_001395697.1); short protein forms F1239fs, F1374fs, F1280fs, F813fs, F1185fs.
Identifiers: ClinVar variation 4843065 (VCV004843065.1).
Genomic context (GRCh38, chr14:95,099,866, plus strand): 5'-TGTTGCTTTTGTCTTGATTTACTACATAACCAGGAGGAAGCCAATTCACAGGGGGATCAA[AT>A]ATTGACACCACCATGCGGCTGGGTAGTCCCTTCTTTTTTCCAAGGCGATACAGATTACAG-3'

ClinVar aggregate classification (germline): Pathogenic (1 of 4 stars; one submission).

Conditions:
Hereditary cancer-predisposing syndrome. Also called: Neoplastic Syndromes, Hereditary; Tumor predisposition; Hereditary Cancer Syndrome; Hereditary neoplastic syndrome. Identifiers: Orphanet 140162, MedGen C0027672, MeSH D009386, MONDO:0015356.

Submission:

Ambry Genetics
Classification: Pathogenic for Hereditary cancer-predisposing syndrome. Last evaluated: 2025-12-15. Review status: criteria provided, single submitter. Criteria: Ambry Variant Classification Scheme 2023. Collection method: clinical testing. Allele origin: germline.
Comment: The c.4119delA variant, located in coding exon 21 of the DICER1 gene, results from a deletion of one nucleotide at nucleotide position 4119, causing a translational frameshift with a predicted alternate stop codon (p.F1374Lfs*5). This variant is considered to be rare based on population cohorts in the Genome Aggregation Database (gnomAD). This alteration is expected to result in loss of function by premature protein truncation or nonsense-mediated mRNA decay. As such, this alteration is interpreted as a disease-causing mutation.